The following is an entry in ClinVar:

ClinVar aggregate classification (germline): Conflicting classifications of pathogenicity. Review status: criteria provided, conflicting classifications (1 of 4 stars). 3 submissions from 3 submitters: Pathogenic (1); Uncertain significance (1). 1 of the submissions does not count toward it. Last evaluated 2024-02-15.

Conditions:
Upshaw-Schulman syndrome (TTP). Also called: THROMBOTIC THROMBOCYTOPENIC PURPURA, HEREDITARY; Congenital thrombotic thrombocytopenic purpura. Identifiers: Orphanet 93583, MedGen C1268935, MONDO:0010122, OMIM 274150.

Allele frequency attached by ClinVar (database versions not stated): gnomAD 0.00001; gnomAD exomes 0.00001; TOPMed 0.00002; ESP Exome Variant Server 0.00008.
gnomAD v4.1: 5 of 1,606,252 alleles (0.00031%); highest among the groups gnomAD compares: Non-Finnish European, 0.00042%; no homozygotes.

Submissions (3):

Fulgent Genetics
Classification: Uncertain significance for Upshaw-Schulman syndrome. Last evaluated: 2024-02-15. Review status: criteria provided, single submitter. Criteria: ACMG Guidelines, 2015. Collection method: clinical testing. Allele origin: germline.

Mayo Clinic Laboratories, Mayo Clinic
Classification: Pathogenic. Last evaluated: 2022-02-11. Review status: criteria provided, single submitter. Criteria: ACMG Guidelines, 2015. Collection method: clinical testing. Allele origin: germline. Observed: 1 variant allele.
Comment: PP3, PP4, PM1, PM2_supporting, PM3_strong, PS3_moderate

Department of Pathology and Laboratory Medicine, Sinai Health System
Classification: Likely pathogenic. Review status: no assertion criteria provided. Collection method: clinical testing. Allele origin: unknown. Affected: yes. Study: The Canadian Open Genetics Repository (COGR). Not counted in ClinVar's aggregate classification.
Comment: The ADAMTS13 p.R1095Q variant was identified in the compound heterozygous state in 1/18 patients with congenital thrombotic thrombocytopenic purpura (TTP) and funcitonal studies of this variant demonstrated impaired protein function compared to wildtype (Rurali_2015_PMID:26342041). The variant was identified in dbSNP (ID: rs373569027) but was not identified in ClinVar, Clinvitae, Cosmic or LOVD 3.0. The variant was identified in the NHLBI GO Exome Sequencing Project database in 1 of 13006 chromosomes (freq=0.000077) but was not found in the 1000 Genomes Project, the Exome Aggregation Consortium (August 8th 2016) or the Genome Aggregation Database (Feb 27, 2017). The p.Arg1095 residue is conserved in mammals and computational analyses (PolyPhen-2, SIFT, AlignGVGD, BLOSUM, MutationTaster) provide inconsistent predictions regarding the impact to the protein; this information is not very predictive of pathogenicity. However, a functional study assessing ADAMTS13 activity and genetic mutations in a Japanese population demonstrated decreased ADAMTS13 activity from the R1095Q variant compared to wildtype (Miyata_2013_PMID:23715102). In summary, based on the above information the clinical significance of this variant cannot be determined with certainty at this time although we would lean towards a more pathogenic role for this variant. This variant is classified as likely pathogenic.

Literature cited by the submitters: PubMed 22783805 (cited by Mayo Clinic Laboratories, Mayo Clinic); PubMed 23346910 (cited by Mayo Clinic Laboratories, Mayo Clinic); PubMed 23715102 (cited by Mayo Clinic Laboratories, Mayo Clinic); PubMed 26342041 (cited by Mayo Clinic Laboratories, Mayo Clinic); PubMed 34946607 (cited by Mayo Clinic Laboratories, Mayo Clinic).

NM_139027.6(ADAMTS13):c.3284G>A (p.Arg1095Gln)

Gene: ADAMTS13 (ADAM metallopeptidase with thrombospondin type 1 motif 13; plus strand). Cytogenetic location: 9q34.2.
Variant type: single nucleotide variant.
Coding change: c.3284G>A on transcript NM_139027.6 (MANE Select); coding-DNA position 3284, G replaced by A.
Protein change: p.Arg1095Gln; replaces arginine 1095 with glutamine.
Molecular consequence: missense variant. On other transcripts: non-coding transcript variant (1).
Genome position (GRCh38, 1-based): chr9:133,455,319, G>A. VCF-style: chr9-133455319-G-A. GRCh37 (hg19) VCF-style: chr9-136320441-G-A.
Other names: p.Arg1095Gln; c.3284G>A, p.Arg1095Gln (NM_139025.5); c.3191G>A, p.Arg1064Gln (NM_139026.6); c.3284G>A (NM_139025.4); short protein forms R1064Q, R1095Q.
Identifiers: ClinVar variation 1050736 (VCV001050736.3), dbSNP rs373569027, ClinGen allele CA200943932.